The following is an entry in ClinVar:

NM_000426.4(LAMA2):c.5122G>C (p.Glu1708Gln)

Gene: LAMA2 (laminin subunit alpha 2; plus strand). Cytogenetic location: 6q22.33.
Variant type: single nucleotide variant.
Coding change: c.5122G>C on transcript NM_000426.4 (MANE Select); coding-DNA position 5122, G replaced by C.
Protein change: p.Glu1708Gln; replaces glutamic acid 1708 with glutamine.
Molecular consequence: missense variant.
Genome position (GRCh38, 1-based): chr6:129,391,541, G>C. VCF-style: chr6-129391541-G-C. GRCh37 (hg19) VCF-style: chr6-129712686-G-C.
Other names: c.5122G>C, p.Glu1708Gln (NM_001079823.2); short protein forms E1708Q.
Identifiers: ClinVar variation 3571600 (VCV003571600.2).
Genomic context (GRCh38, chr6:129,391,541, plus strand): 5'-CCCCCTGCAGCTGTAAATGAAAAAGCTATAAAACTAAATGAAACTCTAGGAACTCGAGAC[G>C]AGGCCTTTGAGAGAAATTTGGAAGGGCTTCAGAAAGAGATTGACCAGATGATTAAAGAAC-3'
Protein context (NP_000417.3, residues 1698-1718): KLNETLGTRD[Glu1708Gln]AFERNLEGLQ

ClinVar aggregate classification (germline): Uncertain significance (1 of 4 stars; one submission).

Submission:

Athena Diagnostics
Classification: Uncertain significance. Last evaluated: 2024-12-09. Review status: criteria provided, single submitter. Criteria: Athena Diagnostics Criteria. Collection method: clinical testing. Allele origin: unknown.
Comment: Available data are insufficient to determine the clinical significance of the variant at this time. This variant has not been reported in large, multi-ethnic general populations. Polyphen and MutationTaster predict this amino acid change may be benign.